The following is an entry in ClinVar:

ClinVar aggregate classification (germline): Uncertain significance (1 of 4 stars; one submission).

Conditions:
TMEM165-congenital disorder of glycosylation. Also called: TMEM165-CDG; Congenital disorder of glycosylation type 2k; CDG IIk. Identifiers: Orphanet 314667, MedGen C3553571, MONDO:0013870, OMIM 614727.

Submission:

Labcorp Genetics (formerly Invitae), Labcorp
Classification: Uncertain significance for TMEM165-congenital disorder of glycosylation. Last evaluated: 2020-07-23. Review status: criteria provided, single submitter. Criteria: Invitae Variant Classification Sherloc (09022015). Collection method: clinical testing. Allele origin: germline.
Comment: Nucleotide substitutions within the consensus splice site are a relatively common cause of aberrant splicing (PMID: 17576681, 9536098). Algorithms developed to predict the effect of sequence changes on RNA splicing suggest that this variant is not likely to affect RNA splicing, but this prediction has not been confirmed by published transcriptional studies. In summary, the available evidence is currently insufficient to determine the role of this variant in disease. Therefore, it has been classified as a Variant of Uncertain Significance. This variant has not been reported in the literature in individuals with TMEM165-related conditions. The frequency data for this variant in the population databases is considered unreliable, as metrics indicate insufficient coverage at this position in the ExAC database. This sequence change falls in intron 1 of the TMEM165 gene. It does not directly change the encoded amino acid sequence of the TMEM165 protein, but it affects a nucleotide within the consensus splice site of the intron.

Literature cited by the submitters: PubMed 17576681; PubMed 9536098.

NM_018475.5(TMEM165):c.207+3G>A

Genes: TMEM165 (transmembrane protein 165; plus strand), LOC129992613 (ATAC-STARR-seq lymphoblastoid silent region 15439; plus strand). Cytogenetic location: 4q12.
Variant type: single nucleotide variant.
Coding change: c.207+3G>A on transcript NM_018475.5 (MANE Select); 3 bases into the intron after coding-DNA position 207, G replaced by A.
Molecular consequence: intron variant.
Genome position (GRCh38, 1-based): chr4:55,396,399, G>A. VCF-style: chr4-55396399-G-A. GRCh37 (hg19) VCF-style: chr4-56262566-G-A.
Identifiers: ClinVar variation 1020581 (VCV001020581.7), dbSNP rs1720727389, ClinGen allele CA1459067078.
Genomic context (GRCh38, chr4:55,396,399, plus strand): 5'-CCAGCAGCTGCAGCCGCAGCCTGTGGCTGTGCAGGGCCCCGAGCCGGCCCGGGTCGAGGT[G>A]AGCGGGCCGGGATGGGGCGAGCGAGGCTGCAGGGCCGGCTGCGCCGAGTACCAGGCTCCA-3'